The following is an entry in ClinVar:

ClinVar aggregate classification (germline): Pathogenic (1 of 4 stars; one submission).

Conditions:
Fanconi anemia (FA). Also called: Fanconi's anemia. Identifiers: Orphanet 84, MedGen C0015625, MeSH D005199, MONDO:0019391.

Submission:

Labcorp Genetics (formerly Invitae), Labcorp
Classification: Pathogenic for Fanconi anemia. Last evaluated: 2023-06-16. Review status: criteria provided, single submitter. Criteria: Invitae Variant Classification Sherloc (09022015). Collection method: clinical testing. Allele origin: germline.
Comment: For these reasons, this variant has been classified as Pathogenic. This sequence change creates a premature translational stop signal (p.Gly246*) in the FANCA gene. It is expected to result in an absent or disrupted protein product. Loss-of-function variants in FANCA are known to be pathogenic (PMID: 19367192). This variant is not present in population databases (gnomAD no frequency). This variant has not been reported in the literature in individuals affected with FANCA-related conditions.

Literature cited by the submitters: PubMed 19367192.

NM_000135.4(FANCA):c.736G>T (p.Gly246Ter)

Gene: FANCA (FA complementation group A; minus strand). Cytogenetic location: 16q24.3.
Variant type: single nucleotide variant.
Coding change: c.736G>T on transcript NM_000135.4 (MANE Select); coding-DNA position 736, G replaced by T.
Protein change: p.Gly246Ter; replaces glycine 246 with a stop codon.
Molecular consequence: nonsense.
Genome position (GRCh38, 1-based): chr16:89,803,315, C>A on the plus strand (G>T on the coding strand, the complement: FANCA is on the minus strand). VCF-style: chr16-89803315-C-A. GRCh37 (hg19) VCF-style: chr16-89869723-C-A.
Other names: c.736G>T, p.Gly246Ter (NM_001018112.3, NM_001286167.3); c.640G>T, p.Gly214Ter (NM_001351830.2); short protein forms G246*, G214*.
Identifiers: ClinVar variation 2717407 (VCV002717407.3), dbSNP rs1486237562, ClinGen allele CA397476308.